The following is an entry in ClinVar:

ClinVar aggregate classification (germline): Uncertain significance. Review status: criteria provided, multiple submitters, no conflicts (2 of 4 stars). 3 submissions from 3 submitters: Uncertain significance (3). Last evaluated 2026-09-01.

Conditions:
Cardiovascular phenotype. Identifiers: MedGen CN230736.
Hypertrophic cardiomyopathy 2. Also called: TNNT2-Related Familial Hypertrophic Cardiomyopathy. Identifiers: MedGen C1861864, MONDO:0007266, OMIM 115195.
Dilated cardiomyopathy 1D. Identifiers: Orphanet 154, Orphanet 54260, MedGen C1832243, MONDO:0011095, OMIM 601494.
Cardiomyopathy, familial restrictive, 3. Identifiers: Orphanet 75249, MedGen C2676271, MONDO:0012900, OMIM 612422.

Submissions (3):

CeGaT Center for Human Genetics Tuebingen
Classification: Uncertain significance. Last evaluated: 2026-09-01. Review status: criteria provided, single submitter. Criteria: CeGaT Center For Human Genetics Tuebingen Variant Classification Criteria Version 2. Collection method: clinical testing. Allele origin: germline. Affected: yes. Observed: 1 variant allele.
Comment: TNNT2: PM2, PS4:Supporting

Labcorp Genetics (formerly Invitae), Labcorp
Classification: Uncertain significance for Cardiomyopathy, familial restrictive, 3; Hypertrophic cardiomyopathy 2; Dilated cardiomyopathy 1D. Last evaluated: 2024-03-09. Review status: criteria provided, single submitter. Criteria: Invitae Variant Classification Sherloc (09022015). Collection method: clinical testing. Allele origin: germline.
Comment: This sequence change replaces alanine, which is neutral and non-polar, with serine, which is neutral and polar, at codon 157 of the TNNT2 protein (p.Ala157Ser). This variant is not present in population databases (gnomAD no frequency). This missense change has been observed in individual(s) with hypertrophic cardiomyopathy (PMID: 20624503). ClinVar contains an entry for this variant (Variation ID: 519034). Advanced modeling of protein sequence and biophysical properties (such as structural, functional, and spatial information, amino acid conservation, physicochemical variation, residue mobility, and thermodynamic stability) performed at Invitae indicates that this missense variant is expected to disrupt TNNT2 protein function with a positive predictive value of 95%. In summary, the available evidence is currently insufficient to determine the role of this variant in disease. Therefore, it has been classified as a Variant of Uncertain Significance.

Ambry Genetics
Classification: Uncertain significance for Cardiovascular phenotype. Last evaluated: 2017-09-19. Review status: criteria provided, single submitter. Criteria: Ambry Variant Classification Scheme 2023. Collection method: clinical testing. Allele origin: germline.
Comment: The p.A157S variant (also known as c.469G>T), located in coding exon 10 of the TNNT2 gene, results from a G to T substitution at nucleotide position 469. The alanine at codon 157 is replaced by serine, an amino acid with similar properties. This alteration was reported in an individual with hypertrophic cardiomyopathy (Millat G et al. Eur J Med Genet Jul;53:261-7). This amino acid position is well conserved in available vertebrate species. In addition, this alteration is predicted to be deleterious by in silico analysis. Since supporting evidence is limited at this time, the clinical significance of this alteration remains unclear.

Literature cited by the submitters: PubMed 20624503 (cited by Labcorp Genetics (formerly Invitae), Labcorp and Ambry Genetics).

NM_001276345.2(TNNT2):c.499G>T (p.Ala167Ser)

Gene: TNNT2 (troponin T2, cardiac type; minus strand). Cytogenetic location: 1q32.1.
Variant type: single nucleotide variant.
Coding change: c.499G>T on transcript NM_001276345.2 (MANE Select); coding-DNA position 499, G replaced by T.
Protein change: p.Ala167Ser; replaces alanine 167 with serine.
Molecular consequence: missense variant.
Genome position (GRCh38, 1-based): chr1:201,363,397, C>A on the plus strand (G>T on the coding strand, the complement: TNNT2 is on the minus strand). VCF-style: chr1-201363397-C-A. GRCh37 (hg19) VCF-style: chr1-201332525-C-A.
Other names: c.499G>T, p.Ala167Ser (NM_000364.4); c.469G>T, p.Ala157Ser (NM_001001430.3, NM_001001431.3, NM_001276347.2); c.454G>T, p.Ala152Ser (NM_001001432.3); c.379G>T, p.Ala127Ser (NM_001276346.2); short protein forms A157S, A167S, A152S, A127S.
Identifiers: ClinVar variation 519034 (VCV000519034.8), dbSNP rs1553281319, ClinGen allele CA344204646.